The following is an entry in ClinVar:

NM_207361.6(FREM2):c.7654A>G (p.Met2552Val)

Gene: FREM2 (FRAS1 related extracellular matrix 2; plus strand). Cytogenetic location: 13q13.3.
Variant type: single nucleotide variant.
Coding change: c.7654A>G on transcript NM_207361.6 (MANE Select); coding-DNA position 7654, A replaced by G.
Protein change: p.Met2552Val; replaces methionine 2552 with valine.
Molecular consequence: missense variant.
Genome position (GRCh38, 1-based): chr13:38,864,277, A>G. VCF-style: chr13-38864277-A-G. GRCh37 (hg19) VCF-style: chr13-39438414-A-G.
Other names: short protein forms M2552V.
Identifiers: ClinVar variation 3576197 (VCV003576197.2).

ClinVar aggregate classification (germline): Uncertain significance. Review status: criteria provided, multiple submitters, no conflicts (2 of 4 stars). 2 submissions from 2 submitters: Uncertain significance (2). Last evaluated 2025-03-16.

Conditions:
Fraser syndrome 2 (FRASRS2). Identifiers: MedGen C4540036, MONDO:0054738, OMIM 617666.
Isolated cryptophthalmia. Also called: Cryptophthalmos, unilateral or bilateral, isolated; ANKYLOBLEPHARON, SIMPLE. Identifiers: Orphanet 91396, MedGen C1852453, MONDO:0007410, OMIM 123570.

gnomAD v4.1: 143 of 1,609,918 alleles (0.0089%); highest among the groups gnomAD compares: Non-Finnish European, 0.0084%; no homozygotes.

Submissions (2):

Labcorp Genetics (formerly Invitae), Labcorp
Classification: Uncertain significance. Last evaluated: 2025-03-16. Review status: criteria provided, single submitter. Criteria: Invitae Variant Classification Sherloc (09022015). Collection method: clinical testing. Allele origin: germline.
Comment: This sequence change replaces methionine, which is neutral and non-polar, with valine, which is neutral and non-polar, at codon 2552 of the FREM2 protein (p.Met2552Val). The frequency data for this variant in the population databases is considered unreliable, as metrics indicate poor data quality at this position in the gnomAD database. This variant has not been reported in the literature in individuals affected with FREM2-related conditions. ClinVar contains an entry for this variant (Variation ID: 3576197). An algorithm developed to predict the effect of missense changes on protein structure and function (PolyPhen-2) suggests that this variant is likely to be tolerated. In summary, the available evidence is currently insufficient to determine the role of this variant in disease. Therefore, it has been classified as a Variant of Uncertain Significance.

Fulgent Genetics
Classification: Uncertain significance for Isolated cryptophthalmia; Fraser syndrome 2. Last evaluated: 2024-04-10. Review status: criteria provided, single submitter. Criteria: ACMG Guidelines, 2015. Collection method: clinical testing. Allele origin: germline.